The following is an entry in ClinVar:

NM_014224.5(PGA5):c.664A>C (p.Lys222Gln)

Gene: PGA5 (pepsinogen A5; plus strand). Cytogenetic location: 11q12.2.
Variant type: single nucleotide variant.
Coding change: c.664A>C on transcript NM_014224.5 (MANE Select); coding-DNA position 664, A replaced by C.
Protein change: p.Lys222Gln; replaces lysine 222 with glutamine.
Molecular consequence: missense variant.
Genome position (GRCh38, 1-based): chr11:61,248,426, A>C. VCF-style: chr11-61248426-A-C. GRCh37 (hg19) VCF-style: chr11-61015898-A-C.
Other names: short protein forms K222Q.
Identifiers: ClinVar variation 2641821 (VCV002641821.24), dbSNP rs200053998, ClinGen allele CA6031381.

ClinVar aggregate classification (germline): Likely benign (1 of 4 stars; one submission).

Allele frequency attached by ClinVar (database versions not stated): 1000 Genomes Project 30x 0.00297; ExAC 0.00317; gnomAD 0.00413; TOPMed 0.00472.

Submission:

CeGaT Center for Human Genetics Tuebingen
Classification: Likely benign. Last evaluated: 2023-03-01. Review status: criteria provided, single submitter. Criteria: CeGaT Center For Human Genetics Tuebingen Variant Classification Criteria Version 2. Collection method: clinical testing. Allele origin: germline. Affected: yes. Observed: 1 variant allele.
Comment: PGA5: BS2